The following is an entry in ClinVar:

ClinVar aggregate classification (germline): Conflicting classifications of pathogenicity. Review status: criteria provided, conflicting classifications (1 of 4 stars). 10 submissions from 10 submitters: Uncertain significance (6); Likely benign (3). 1 of the submissions does not count toward it. Last evaluated 2026-01-19.

Conditions:
Familial adenomatous polyposis 1 (FAP1). Also called: FAMILIAL ADENOMATOUS POLYPOSIS 1, ATTENUATED; POLYPOSIS, ADENOMATOUS INTESTINAL. Identifiers: MedGen C2713442, MONDO:0021056, OMIM 175100. Disease mechanism: loss of function.
Hereditary cancer-predisposing syndrome. Also called: Tumor predisposition; Hereditary neoplastic syndrome; Neoplastic Syndromes, Hereditary; Hereditary Cancer Syndrome. Identifiers: Orphanet 140162, MedGen C0027672, MeSH D009386, MONDO:0015356.

Allele frequency attached by ClinVar (database versions not stated): gnomAD 0.00001; gnomAD exomes 0.00001; ExAC 0.00002; TOPMed 0.00002.
gnomAD v4.1: 25 of 1,613,938 alleles (0.0015%); highest among the groups gnomAD compares: Non-Finnish European, 0.0019%; no homozygotes.

Submissions (10):

Labcorp Genetics (formerly Invitae), Labcorp
Classification: Uncertain significance for Familial adenomatous polyposis 1. Last evaluated: 2026-01-19. Review status: criteria provided, single submitter. Criteria: Invitae Variant Classification Sherloc (09022015). Collection method: clinical testing. Allele origin: germline.
Comment: This sequence change replaces threonine, which is neutral and polar, with alanine, which is neutral and non-polar, at codon 1445 of the APC protein (p.Thr1445Ala). This variant is present in population databases (rs587780597, gnomAD 0.003%). This missense change has been observed in individual(s) with colorectal adenomas (PMID: 18199528). ClinVar contains an entry for this variant (Variation ID: 135702). Invitae Evidence Modeling of protein sequence and biophysical properties (such as structural, functional, and spatial information, amino acid conservation, physicochemical variation, residue mobility, and thermodynamic stability) indicates that this missense variant is not expected to disrupt APC protein function with a negative predictive value of 95%. In summary, the available evidence is currently insufficient to determine the role of this variant in disease. Therefore, it has been classified as a Variant of Uncertain Significance.

Ambry Genetics
Classification: Likely benign for Hereditary cancer-predisposing syndrome. Last evaluated: 2025-08-25. Review status: criteria provided, single submitter. Criteria: Ambry Variant Classification Scheme 2023. Collection method: clinical testing. Allele origin: germline.

GeneDx
Classification: Uncertain significance. Last evaluated: 2025-08-07. Review status: criteria provided, single submitter. Criteria: GeneDx Variant Classification Process June 2021. Collection method: clinical testing. Allele origin: germline. Affected: yes.
Comment: Not observed at significant frequency in large population cohorts (gnomAD); In silico analysis suggests that this missense variant does not alter protein structure/function; This variant is associated with the following publications: (PMID: 21859464, 27882345, 35264596, 18199528, 25186627)

Laboratorio de I+D, Fundación Centro Médico de Asturias
Classification: Likely benign for Hereditary cancer-predisposing syndrome. Last evaluated: 2025-07-07. Review status: criteria provided, single submitter. Criteria: ACMG Guidelines, 2015. Collection method: clinical testing. Allele origin: germline.
Comment: BP4_Strong+BP1+PM2_Supporting

Molecular Diagnostics Laboratory, Catalan Institute of Oncology
Classification: Likely benign for Hereditary cancer-predisposing syndrome. Last evaluated: 2024-10-06. Review status: criteria provided, single submitter. Criteria: ClinGen ACMG Specifications APC V1.0.0. Collection method: clinical testing. Allele origin: germline.
Comment: BS1, BP1 c.4333A>G located in exon 16 of the APC gene, is predicted to result in the substitution of threonine by alanine at codon 1445, p.(Thr1445Ala)(BP1). This variant is found in 4/117964 at a filtering allele frequency of 0.0011% in the gnomAD v2.1.1 database (European non-Finnish non-cancer data set)(BS1). The SpliceAI algorithm predicts no significant impact on splicing. In addition, the variant was also identified in the ClinVar database (7x uncertain significance, 1x likely benign) but it has not been identified in the LOVD database. Based on currently available information, the variant c.4333A>G is classified as a likely benign variant according to ClinGen-APC Guidelines version v1.

Color Diagnostics, LLC DBA Color Health
Classification: Uncertain significance for Hereditary cancer-predisposing syndrome. Last evaluated: 2024-09-18. Review status: criteria provided, single submitter. Criteria: ACMG Guidelines, 2015. Collection method: clinical testing. Allele origin: germline.
Comment: This missense variant replaces threonine with alanine at codon 1445 of the APC protein. Computational prediction is inconclusive regarding the impact of this variant on protein structure and function (internally defined REVEL score threshold 0.5 < inconclusive < 0.7, PMID: 27666373). To our knowledge, functional studies have not been reported for this variant. This variant has been reported in individuals affected with colorectal adenomas (PMID: 18199528, 21859464). This variant has been identified in 5/282560 chromosomes in the general population by the Genome Aggregation Database (gnomAD). The available evidence is insufficient to determine the role of this variant in disease conclusively. Therefore, this variant is classified as a Variant of Uncertain Significance.

Myriad Genetics, Inc.
Classification: Uncertain significance for Familial adenomatous polyposis 1. Last evaluated: 2023-02-21. Review status: criteria provided, single submitter. Criteria: Myriad Autosomal Dominant, Autosomal Recessive and X-Linked Classification Criteria (2023). Collection method: clinical testing. Allele origin: unknown.
Comment: This variant is classified as a variant of uncertain significance as there is insufficient evidence to determine its impact on protein function and/or cancer risk.

Quest Diagnostics Nichols Institute San Juan Capistrano
Classification: Uncertain significance. Last evaluated: 2020-01-28. Review status: criteria provided, single submitter. Criteria: Quest Diagnostics criteria. Collection method: clinical testing. Allele origin: unknown.

Mendelics
Classification: Uncertain significance for Familial adenomatous polyposis 1. Last evaluated: 2018-07-02. Review status: criteria provided, single submitter. Criteria: Mendelics Assertion Criteria 2017. Collection method: clinical testing. Allele origin: unknown.

Counsyl
Classification: Uncertain significance for Familial adenomatous polyposis 1. Last evaluated: 2015-12-04. Review status: no assertion criteria provided. Collection method: clinical testing. Allele origin: unknown. Not counted in ClinVar's aggregate classification.

Literature cited by the submitters: PubMed 18199528 (cited by 5 submitters); PubMed 25186627 (cited by Ambry Genetics); PubMed 35264596 (cited by Ambry Genetics); PubMed 21859464 (cited by Color Diagnostics, LLC DBA Color Health and Quest Diagnostics Nichols Institute San Juan Capistrano).

NM_000038.6(APC):c.4333A>G (p.Thr1445Ala)

Gene: APC (APC regulator of Wnt signaling pathway; plus strand). Cytogenetic location: 5q22.2.
Variant type: single nucleotide variant.
Coding change: c.4333A>G on transcript NM_000038.6 (MANE Select); coding-DNA position 4333, A replaced by G.
Protein change: p.Thr1445Ala; replaces threonine 1445 with alanine.
Molecular consequence: missense variant.
Genome position (GRCh38, 1-based): chr5:112,839,927, A>G. VCF-style: chr5-112839927-A-G. GRCh37 (hg19) VCF-style: chr5-112175624-A-G.
Other names: c.4333A>G, p.Thr1445Ala (NM_001127510.3, NM_001354895.2); c.4279A>G, p.Thr1427Ala (NM_001127511.3); c.4387A>G, p.Thr1463Ala (NM_001354896.2); c.4363A>G, p.Thr1455Ala (NM_001354897.2); c.4258A>G, p.Thr1420Ala (NM_001354898.2); c.4249A>G, p.Thr1417Ala (NM_001354899.2); c.4210A>G, p.Thr1404Ala (NM_001354900.2); c.4156A>G, p.Thr1386Ala (NM_001354901.2); and 5 more; short protein forms T1445A, T1427A, T1386A, T1455A, T1463A, T1162A, T1319A, T1354A.
Identifiers: ClinVar variation 135702 (VCV000135702.33), dbSNP rs587780597, ClinGen allele CA009444.
Genomic context (GRCh38, chr5:112,839,927, plus strand): 5'-GATAGCCCTGGACAAACCATGCCACCAAGCAGAAGTAAAACACCTCCACCACCTCCTCAA[A>G]CAGCTCAAACCAAGCGAGAAGTACCTAAAAATAAAGCACCTACTGCTGAAAAGAGAGAGA-3'
Protein context (NP_000029.2, residues 1435-1455): RSKTPPPPPQ[Thr1445Ala]AQTKREVPKN